The following is an entry in ClinVar:

NM_001379500.1(COL18A1):c.1225G>T (p.Asp409Tyr)

Gene: COL18A1 (collagen type XVIII alpha 1 chain; plus strand). Cytogenetic location: 21q22.3.
Variant type: single nucleotide variant.
Coding change: c.1225G>T on transcript NM_001379500.1 (MANE Select); coding-DNA position 1225, G replaced by T.
Protein change: p.Asp409Tyr; replaces aspartic acid 409 with tyrosine.
Molecular consequence: missense variant.
Genome position (GRCh38, 1-based): chr21:45,478,330, G>T. VCF-style: chr21-45478330-G-T. GRCh37 (hg19) VCF-style: chr21-46898244-G-T.
Other names: c.1765G>T, p.Asp589Tyr (NM_030582.4); c.2470G>T, p.Asp824Tyr (NM_130444.3); short protein forms D409Y, D589Y, D824Y.
Identifiers: ClinVar variation 4725618 (VCV004725618.1).

ClinVar aggregate classification (germline): Uncertain significance (1 of 4 stars; one submission).

Submission:

Labcorp Genetics (formerly Invitae), Labcorp
Classification: Uncertain significance. Last evaluated: 2025-08-24. Review status: criteria provided, single submitter. Criteria: Invitae Variant Classification Sherloc (09022015). Collection method: clinical testing. Allele origin: germline.
Comment: This sequence change replaces aspartic acid, which is acidic and polar, with tyrosine, which is neutral and polar, at codon 409 of the COL18A1 protein (p.Asp409Tyr). This variant is not present in population databases (gnomAD no frequency). This variant has not been reported in the literature in individuals affected with COL18A1-related conditions. Experimental studies and prediction algorithms are not available or were not evaluated, and the functional significance of this variant is currently unknown. In summary, the available evidence is currently insufficient to determine the role of this variant in disease. Therefore, it has been classified as a Variant of Uncertain Significance.